The following is an entry in ClinVar:

NM_021975.4(RELA):c.431del (p.Pro144fs)

Gene: RELA (RELA proto-oncogene, NF-kB subunit; minus strand). Cytogenetic location: 11q13.1.
Variant type: Deletion.
Coding change: c.431del on transcript NM_021975.4 (MANE Select); coding-DNA position 431, one base deleted (C; older notation c.431delC).
Protein change: p.Pro144fs; shifts the reading frame from proline 144.
Molecular consequence: frameshift variant. On other transcripts: intron variant (1).
Genome position (GRCh38, 1-based): chr11:65,659,794, G deleted on the plus strand (C on the coding strand, the reverse complement: RELA is on the minus strand); the first of 2 consecutive G bases (chr11:65,659,794-65,659,795); deleting either gives the same sequence. VCF-style (leftmost placement, unchanged base first): chr11-65659793-AG-A. GRCh37 (hg19) VCF-style: chr11-65427264-AG-A.
Other names: c.431del, p.Pro144fs (NM_001243984.2, NM_001243985.2, NM_001404659.1 and 1 more transcripts); c.464del, p.Pro155fs (NM_001404657.1); c.404del, p.Pro135fs (NM_001404658.1); c.50del, p.Pro17fs (NM_001404661.1); c.338del, p.Pro113fs (NM_001404662.1, NM_001404663.1); c.428-6del (NM_001145138.2); short protein forms P135fs, P155fs, P17fs, P113fs, P144fs.
Identifiers: ClinVar variation 3722991 (VCV003722991.2).

ClinVar aggregate classification (germline): Pathogenic (1 of 4 stars; one submission).

Submission:

Labcorp Genetics (formerly Invitae), Labcorp
Classification: Pathogenic. Last evaluated: 2024-10-16. Review status: criteria provided, single submitter. Criteria: Invitae Variant Classification Sherloc (09022015). Collection method: clinical testing. Allele origin: germline.
Comment: This sequence change creates a premature translational stop signal (p.Pro144Leufs*2) in the RELA gene. It is expected to result in an absent or disrupted protein product. Loss-of-function variants in RELA are known to be pathogenic (PMID: 28600438). This variant is not present in population databases (gnomAD no frequency). This variant has not been reported in the literature in individuals affected with RELA-related conditions. For these reasons, this variant has been classified as Pathogenic.

Literature cited by the submitters: PubMed 28600438.